The following is an entry in ClinVar:

ClinVar aggregate classification (germline): Uncertain significance. Review status: criteria provided, multiple submitters, no conflicts (2 of 4 stars). 6 submissions from 6 submitters: Uncertain significance (6). Last evaluated 2026-08-12.

Conditions:
Cardiovascular phenotype. Identifiers: MedGen CN230736.
Charcot-Marie-Tooth disease type 2. Also called: Charcot-Marie-Tooth type 2. Identifiers: Orphanet 64746, MedGen C0270914, MONDO:0018993.
Myopathy. Identifiers: MedGen C0026848, MeSH D009135, MONDO:0005336, HP:0003198.

Allele frequency attached by ClinVar (database versions not stated): ExAC 0.00001; gnomAD 0.00001; gnomAD exomes 0.00001 and 0.00002; TOPMed 0.00001; ESP Exome Variant Server 0.00008.
gnomAD v4.1: 12 of 1,614,098 alleles (0.00074%); highest among the groups gnomAD compares: African/African-American, 0.0027%; no homozygotes.

Submissions (6):

Broad Center for Mendelian Genomics, Broad Institute of MIT and Harvard
Classification: Uncertain significance for Myopathy. Last evaluated: 2026-08-12. Review status: criteria provided, single submitter. Criteria: ACMG Guidelines, 2015. Collection method: research. Allele origin: germline. Inheritance: Autosomal dominant inheritance. Study: GREGoR Consortium.
Comment: The heterozygous p.Arg221His variant in LMA was identified by our study in 2 individuals with muscle weakness and dilated cardiomyopathy. The p.Arg221His variant in LMNA has not been previously reported in the literature in individuals with dilated cardiomyopathy, and has been identified in 0.003% (2/74930) of African/African American chromosomes by the Genome Aggregation Database (gnomAD; dbSNP rs372567202). The number of reported affected individuals with this variant is slightly greater than expected compared to non-affected individuals with this variant. This variant has been reported in ClinVar (Variation ID: 950917) and has been interpreted as a variant of uncertain significance by Athena Diagnostics, Labcorp Genetics (formerly Invitae), Ambry Genetics, Revvity Omics, and ARUP Laboratories. Computational prediction tools and conservation analyses suggest that this variant may impact the protein, though this information is not predictive enough to determine pathogenicity. In summary, the clinical significance of the p.Arg221His variant is uncertain. ACMG/AMP Criteria applied: PP3, PS4_supporting (Richards 2015).

Ambry Genetics
Classification: Uncertain significance for Cardiovascular phenotype. Last evaluated: 2026-01-14. Review status: criteria provided, single submitter. Criteria: Ambry Variant Classification Scheme 2023. Collection method: clinical testing. Allele origin: germline.

Labcorp Genetics (formerly Invitae), Labcorp
Classification: Uncertain significance for Charcot-Marie-Tooth disease type 2. Last evaluated: 2025-12-09. Review status: criteria provided, single submitter. Criteria: Invitae Variant Classification Sherloc (09022015). Collection method: clinical testing. Allele origin: germline.
Comment: This sequence change replaces arginine, which is basic and polar, with histidine, which is basic and polar, at codon 221 of the LMNA protein (p.Arg221His). This variant is present in population databases (rs372567202, gnomAD 0.003%). This variant has not been reported in the literature in individuals affected with LMNA-related conditions. ClinVar contains an entry for this variant (Variation ID: 950917). Invitae Evidence Modeling of protein sequence and biophysical properties (such as structural, functional, and spatial information, amino acid conservation, physicochemical variation, residue mobility, and thermodynamic stability) indicates that this missense variant is expected to disrupt LMNA protein function with a positive predictive value of 95%. In summary, the available evidence is currently insufficient to determine the role of this variant in disease. Therefore, it has been classified as a Variant of Uncertain Significance.

ARUP Laboratories, Molecular Genetics and Genomics, ARUP Laboratories
Classification: Uncertain significance. Last evaluated: 2024-07-22. Review status: criteria provided, single submitter. Criteria: ARUP Molecular Germline Variant Investigation Process 2024. Collection method: clinical testing. Allele origin: germline.
Comment: The LMNA c.662G>A; p.Arg221His variant (rs372567202, ClinVar Variation ID: 950917) is reported in the literature in an individuals include in a cohort of Autism patients, though any additional specific phenotype information was not proved (Zhou 2022). This variant is only observed on four alleles in the Genome Aggregation Database (v2.1.1), indicating it is not a common polymorphism. Computational analyses are uncertain whether this variant is neutral or deleterious (REVEL: 0.819). However, given the lack of clinical and functional data, the significance of this variant is uncertain at this time. References: Zhou X et al. Integrating de novo and inherited variants in 42,607 autism cases identifies mutations in new moderate-risk genes. Nat Genet. 2022 Sep;54(9):1305-1319. PMID: 35982159

Athena Diagnostics
Classification: Uncertain significance. Last evaluated: 2023-04-06. Review status: criteria provided, single submitter. Criteria: Athena Diagnostics Criteria. Collection method: clinical testing. Allele origin: unknown.
Comment: Available data are insufficient to determine the clinical significance of the variant at this time. The frequency of this variant in the general population is uninformative in assessment of its pathogenicity. Computational tools disagree on the variant's effect on normal protein function.

Revvity Omics, Revvity
Classification: Uncertain significance. Last evaluated: 2020-11-02. Review status: criteria provided, single submitter. Criteria: ACMG Guidelines, 2015. Collection method: clinical testing. Allele origin: germline.

Literature cited by the submitters: PubMed 28663758 (cited by Athena Diagnostics); PubMed 30402260 (cited by Athena Diagnostics).

NM_170707.4(LMNA):c.662G>A (p.Arg221His)

Gene: LMNA (lamin A/C; plus strand). Cytogenetic location: 1q22.
Variant type: single nucleotide variant.
Coding change: c.662G>A on transcript NM_170707.4 (MANE Select); coding-DNA position 662, G replaced by A.
Protein change: p.Arg221His; replaces arginine 221 with histidine.
Molecular consequence: missense variant.
Genome position (GRCh38, 1-based): chr1:156,134,827, G>A. VCF-style: chr1-156134827-G-A. GRCh37 (hg19) VCF-style: chr1-156104618-G-A.
Other names: NM_170708.4:c.662G>A; c.326G>A, p.Arg109His (NM_001257374.3); c.419G>A, p.Arg140His (NM_001282624.2); c.662G>A, p.Arg221His (NM_001282625.2, NM_001282626.2, NM_005572.4 and 1 more transcripts); short protein forms R140H, R109H, R221H.
Identifiers: ClinVar variation 950917 (VCV000950917.17), dbSNP rs372567202, ClinGen allele CA054078.